The following is an entry in ClinVar:

ClinVar aggregate classification (germline): Uncertain significance (1 of 4 stars; one submission).

gnomAD v4.1: 1 of 1,614,032 alleles (0.000062%); highest among the groups gnomAD compares: Non-Finnish European, 0.000085%; no homozygotes.

Submission:

Labcorp Genetics (formerly Invitae), Labcorp
Classification: Uncertain significance. Last evaluated: 2025-03-12. Review status: criteria provided, single submitter. Criteria: Invitae Variant Classification Sherloc (09022015). Collection method: clinical testing. Allele origin: germline.
Comment: This sequence change replaces glutamine, which is neutral and polar, with lysine, which is basic and polar, at codon 61 of the NFE2L2 protein (p.Gln61Lys). This variant is present in population databases (rs374210352, gnomAD 0.0009%). This variant has not been reported in the literature in individuals affected with NFE2L2-related conditions. Invitae Evidence Modeling of protein sequence and biophysical properties (such as structural, functional, and spatial information, amino acid conservation, physicochemical variation, residue mobility, and thermodynamic stability) has been performed for this missense variant. However, the output from this modeling did not meet the statistical confidence thresholds required to predict the impact of this variant on NFE2L2 protein function. In summary, the available evidence is currently insufficient to determine the role of this variant in disease. Therefore, it has been classified as a Variant of Uncertain Significance.

NM_006164.5(NFE2L2):c.181C>A (p.Gln61Lys)

Gene: NFE2L2 (NFE2 like bZIP transcription factor 2; minus strand). Cytogenetic location: 2q31.2.
Variant type: single nucleotide variant.
Coding change: c.181C>A on transcript NM_006164.5 (MANE Select); coding-DNA position 181, C replaced by A.
Protein change: p.Gln61Lys; replaces glutamine 61 with lysine.
Molecular consequence: missense variant. On other transcripts: 5 prime UTR variant (1), intron variant (1).
Genome position (GRCh38, 1-based): chr2:177,234,136, G>T on the plus strand (C>A on the coding strand, the complement: NFE2L2 is on the minus strand). VCF-style: chr2-177234136-G-T. GRCh37 (hg19) VCF-style: chr2-178098864-G-T.
Other names: c.133C>A, p.Gln45Lys (NM_001145412.3, NM_001145413.3, NM_001313900.1 and 1 more transcripts); c.181C>A, p.Gln61Lys (NM_001313902.2); c.-49C>A (NM_001313904.1); c.93+88C>A (NM_001313903.2); short protein forms Q61K, Q45K.
Identifiers: ClinVar variation 3650607 (VCV003650607.2).